The following is an entry in ClinVar:

NM_181486.4(TBX5):c.1114T>A (p.Ser372Thr)

Gene: TBX5 (T-box transcription factor 5; minus strand). Cytogenetic location: 12q24.21.
Variant type: single nucleotide variant.
Coding change: c.1114T>A on transcript NM_181486.4 (MANE Select); coding-DNA position 1114, T replaced by A.
Protein change: p.Ser372Thr; replaces serine 372 with threonine.
Molecular consequence: missense variant.
Genome position (GRCh38, 1-based): chr12:114,355,975, A>T on the plus strand (T>A on the coding strand, the complement: TBX5 is on the minus strand). VCF-style: chr12-114355975-A-T. GRCh37 (hg19) VCF-style: chr12-114793780-A-T.
Other names: c.1114T>A, p.Ser372Thr (NM_000192.3); c.964T>A, p.Ser322Thr (NM_080717.4); short protein forms S322T, S372T.
Identifiers: ClinVar variation 2959546 (VCV002959546.4), dbSNP rs79040021, ClinGen allele CA244263292.

ClinVar aggregate classification (germline): Uncertain significance. Review status: criteria provided, multiple submitters, no conflicts (2 of 4 stars). 2 submissions from 2 submitters: Uncertain significance (2). Last evaluated 2025-02-25.

Conditions:
Cardiovascular phenotype. Identifiers: MedGen CN230736.
Aortic valve disease 2 (AOVD2). Identifiers: MedGen C3542024, MONDO:0013902, OMIM 614823.

Allele frequency attached by ClinVar (database versions not stated): gnomAD exomes 0.00001.
gnomAD v4.1: 10 of 1,613,898 alleles (0.00062%); highest among the groups gnomAD compares: Non-Finnish European, 0.00085%; no homozygotes.

Submissions (2):

Labcorp Genetics (formerly Invitae), Labcorp
Classification: Uncertain significance for Aortic valve disease 2. Last evaluated: 2025-02-25. Review status: criteria provided, single submitter. Criteria: Invitae Variant Classification Sherloc (09022015). Collection method: clinical testing. Allele origin: germline.
Comment: This sequence change replaces serine, which is neutral and polar, with threonine, which is neutral and polar, at codon 372 of the TBX5 protein (p.Ser372Thr). This variant is not present in population databases (gnomAD no frequency). This variant has not been reported in the literature in individuals affected with TBX5-related conditions. ClinVar contains an entry for this variant (Variation ID: 2959546). Invitae Evidence Modeling of protein sequence and biophysical properties (such as structural, functional, and spatial information, amino acid conservation, physicochemical variation, residue mobility, and thermodynamic stability) indicates that this missense variant is not expected to disrupt TBX5 protein function with a negative predictive value of 80%. In summary, the available evidence is currently insufficient to determine the role of this variant in disease. Therefore, it has been classified as a Variant of Uncertain Significance.

Ambry Genetics
Classification: Uncertain significance for Cardiovascular phenotype. Last evaluated: 2024-05-11. Review status: criteria provided, single submitter. Criteria: Ambry Variant Classification Scheme 2023. Collection method: clinical testing. Allele origin: germline.
Comment: The p.S372T variant (also known as c.1114T>A), located in coding exon 8 of the TBX5 gene, results from a T to A substitution at nucleotide position 1114. The serine at codon 372 is replaced by threonine, an amino acid with similar properties. This amino acid position is conserved. In addition, the in silico prediction for this alteration is inconclusive. Based on the available evidence, the clinical significance of this variant remains unclear.